The following is an entry in ClinVar:

NM_002755.4(MAP2K1):c.866G>C (p.Arg289Thr)

Gene: MAP2K1 (mitogen-activated protein kinase kinase 1; plus strand). Cytogenetic location: 15q22.31.
Variant type: single nucleotide variant.
Coding change: c.866G>C on transcript NM_002755.4 (MANE Select); coding-DNA position 866, G replaced by C.
Protein change: p.Arg289Thr; replaces arginine 289 with threonine.
Molecular consequence: missense variant.
Genome position (GRCh38, 1-based): chr15:66,485,162, G>C. VCF-style: chr15-66485162-G-C. GRCh37 (hg19) VCF-style: chr15-66777500-G-C.
Other names: c.722G>C, p.Arg241Thr (NM_001411065.1); short protein forms R241T, R289T.
Identifiers: ClinVar variation 4802392 (VCV004802392.1).

ClinVar aggregate classification (germline): Uncertain significance (1 of 4 stars; one submission).

Conditions:
RASopathy. Also called: rasopathies; Noonan spectrum disorder. Identifiers: Orphanet 536391, MedGen C5555857, MONDO:0021060.

Submission:

Labcorp Genetics (formerly Invitae), Labcorp
Classification: Uncertain significance for RASopathy. Last evaluated: 2025-07-30. Review status: criteria provided, single submitter. Criteria: Invitae Variant Classification Sherloc (09022015). Collection method: clinical testing. Allele origin: germline.
Comment: This sequence change replaces arginine, which is basic and polar, with threonine, which is neutral and polar, at codon 289 of the MAP2K1 protein (p.Arg289Thr). This variant is not present in population databases (gnomAD no frequency). This variant has not been reported in the literature in individuals affected with MAP2K1-related conditions. Invitae Evidence Modeling of protein sequence and biophysical properties (such as structural, functional, and spatial information, amino acid conservation, physicochemical variation, residue mobility, and thermodynamic stability) indicates that this missense variant is not expected to disrupt MAP2K1 protein function with a negative predictive value of 95%. In summary, the available evidence is currently insufficient to determine the role of this variant in disease. Therefore, it has been classified as a Variant of Uncertain Significance.